The following is an entry in ClinVar:

NM_000089.4(COL1A2):c.211_212dup (p.Gly72fs)

Gene: COL1A2 (collagen type I alpha 2 chain; plus strand). Cytogenetic location: 7q21.3.
Variant type: Duplication.
Coding change: c.211_212dup on transcript NM_000089.4 (MANE Select); coding-DNA positions 211 to 212, 2 bases duplicated (CC; older notation c.211_212dupCC).
Protein change: p.Gly72fs; shifts the reading frame from glycine 72.
Molecular consequence: frameshift variant.
Genome position (GRCh38, 1-based): chr7:94,400,274-94,400,275, CC duplicated; duplicating any 2 consecutive bases within chr7:94,400,270-94,400,275 gives the same sequence; the c. name uses the placement nearest the transcript's 3' end. VCF-style (leftmost placement, unchanged base first): chr7-94400269-G-GCC. GRCh37 (hg19) VCF-style: chr7-94029581-G-GCC.
Other names: short protein forms G72fs.
Identifiers: ClinVar variation 3754921 (VCV003754921.2).

ClinVar aggregate classification (germline): Pathogenic (1 of 4 stars; one submission).

Conditions:
Ehlers-Danlos syndrome, classic type, 1 (EDSCL1). Also called: EHLERS-DANLOS SYNDROME, GRAVIS TYPE; EHLERS-DANLOS SYNDROME, SEVERE CLASSIC TYPE; Ehlers-Danlos syndrome, type 1; Ehlers-Danlos Syndrome, Classic Type, COL5A1-Related; EDS I. Identifiers: MedGen C0268335, MONDO:0019567, OMIM 130000.
Osteogenesis imperfecta type I (OI1). Also called: OI, TYPE I; OSTEOGENESIS IMPERFECTA TARDA; OSTEOGENESIS IMPERFECTA WITH BLUE SCLERAE; Osteogenesis imperfecta type 1; Lobstein's Disease; Lobstein disease. Identifiers: Orphanet 216796, Orphanet 666, MedGen C0023931, MONDO:0008146, OMIM 166200. Disease mechanism: loss of function.

Submission:

Labcorp Genetics (formerly Invitae), Labcorp
Classification: Pathogenic for Osteogenesis imperfecta type I; Ehlers-Danlos syndrome, classic type, 1. Last evaluated: 2024-02-24. Review status: criteria provided, single submitter. Criteria: Invitae Variant Classification Sherloc (09022015). Collection method: clinical testing. Allele origin: germline.
Comment: This sequence change creates a premature translational stop signal (p.Gly72Leufs*25) in the COL1A2 gene. It is expected to result in an absent or disrupted protein product. Loss-of-function variants in COL1A2 are known to be pathogenic (PMID: 11288717, 15077201). This variant is not present in population databases (gnomAD no frequency). This variant has not been reported in the literature in individuals affected with COL1A2-related conditions. For these reasons, this variant has been classified as Pathogenic.

Literature cited by the submitters: PubMed 11288717; PubMed 15077201.